The following is an entry in ClinVar:

ClinVar aggregate classification (germline): Likely benign. Review status: criteria provided, multiple submitters, no conflicts (2 of 4 stars). 2 submissions from 2 submitters: Likely benign (2). Last evaluated 2018-06-14.

Allele frequency attached by ClinVar (database versions not stated): TOPMed 0.02727; gnomAD 0.02841 and 0.02853; 1000 Genomes Project 0.02955; 1000 Genomes Project 30x 0.03014; gnomAD exomes 0.03566.
gnomAD v4.1: 51,053 of 1,468,082 alleles (3.5%); highest among the groups gnomAD compares: East Asian, 5.4%; 1,016 homozygotes.

Submissions (2):

GeneDx
Classification: Likely benign. Last evaluated: 2018-06-14. Review status: criteria provided, single submitter. Criteria: GeneDx Variant Classification (06012015). Collection method: clinical testing. Allele origin: germline. Affected: yes.
Comment: This variant is considered likely benign or benign based on one or more of the following criteria: it is a conservative change, it occurs at a poorly conserved position in the protein, it is predicted to be benign by multiple in silico algorithms, and/or has population frequency not consistent with disease.

Breakthrough Genomics
Classification: Likely benign. Review status: criteria provided, single submitter. Criteria: ACMG Guidelines, 2015. Collection method: not provided. Allele origin: germline. Inheritance: Autosomal dominant inheritance. Affected: yes.

NM_001148.6(ANK2):c.2079+78C>T

Gene: ANK2 (ankyrin 2; plus strand). Cytogenetic location: 4q26.
Variant type: single nucleotide variant.
Coding change: c.2079+78C>T on transcript NM_001148.6 (MANE Select); 78 bases into the intron after coding-DNA position 2079, C replaced by T.
Molecular consequence: intron variant.
Genome position (GRCh38, 1-based): chr4:113,282,950, C>T. VCF-style: chr4-113282950-C-T. GRCh37 (hg19) VCF-style: chr4-114204106-C-T.
Other names: c.2067+78C>T (NM_001386186.2, NM_001386148.2); c.1869+78C>T (NM_001354269.3); c.2043+78C>T (NM_001386187.2); c.2037+78C>T (NM_001386147.1, NM_001386160.1, NM_001354261.2); c.2016+78C>T (NM_001354254.2, NM_001354239.2, NM_001354252.2 and 10 more transcripts); c.1917+78C>T (NM_001354253.2, NM_001354270.2, NM_001354257.2 and 1 more transcripts); c.1992+78C>T (NM_001354249.2, NM_001354266.2, NM_001354276.2 and 10 more transcripts); c.1893+78C>T (NM_001386151.1, NM_001354260.2, NM_001354271.2); and 8 more.
Identifiers: ClinVar variation 672180 (VCV000672180.2), dbSNP rs29371, ClinGen allele CA11834885.